The following is an entry in ClinVar:

NM_014698.3(TMEM63A):c.1688C>T (p.Ser563Leu)

Gene: TMEM63A (transmembrane protein 63A; minus strand). Cytogenetic location: 1q42.12.
Variant type: single nucleotide variant.
Coding change: c.1688C>T on transcript NM_014698.3 (MANE Select); coding-DNA position 1688, C replaced by T.
Protein change: p.Ser563Leu; replaces serine 563 with leucine.
Molecular consequence: missense variant.
Genome position (GRCh38, 1-based): chr1:225,853,738, G>A on the plus strand (C>T on the coding strand, the complement: TMEM63A is on the minus strand). VCF-style: chr1-225853738-G-A. GRCh37 (hg19) VCF-style: chr1-226041439-G-A.
Other names: short protein forms S563L.
Identifiers: ClinVar variation 4850080 (VCV004850080.1).

ClinVar aggregate classification (germline): Uncertain significance (1 of 4 stars; one submission).

Conditions:
Leukodystrophy, hypomyelinating, 19, transient infantile. Identifiers: MedGen C5231463, MONDO:0032871, OMIM 618688.

gnomAD v4.1: 33 of 1,606,010 alleles (0.0021%); highest among the groups gnomAD compares: South Asian, 0.0089%; no homozygotes.

Submission:

Institute for Clinical Genetics, University Hospital TU Dresden, University Hospital TU Dresden
Classification: Uncertain significance for Leukodystrophy, hypomyelinating, 19, transient infantile. Last evaluated: 2023-09-15. Review status: criteria provided, single submitter. Criteria: ACMG Guidelines, 2015. Collection method: clinical testing. Allele origin: maternal. Affected: yes.
Comment: The missense variant in the TMEM63A gene (NM_014698.3:c.1688C>T, p.(Ser563Leu)) leads to an amino acid exchange at position 563 in the corresponding protein due to a base exchange at position 1688 of the mRNA. This variant is not previously listed in the ClinVar database. The gene does not empirically show increased sensitivity to missense variants (Z-score 1.24). Bioinformatic prediction algorithms estimate the effect of the variant on protein function to be unclear (REVEL score 0.635). In the gnomAD database, this variant has been found 4-fold heterozygous in healthy individuals. The variant is located in a transmembrane domain of the protein, in which only a few variants have been described overall. A few amino acids away, variants have been published as causative of disease (PMID 31587869, PMID: 33785861, PMID: 34598833). To date, only a few patients with autosomal dominant transient infantile hypomyelinating leukodystrophy (OMIM #618688) have been described (PMID: 31587869, PMID: 33785861, PMID: 34598833, PMID: 35953447). According to current ACMG recommendations for variant assessment (PMID 25741868), the criteria PM1 and PM2_SUP are fulfilled, resulting in an assessment as variant of unclear significance (ACMG class 3).